The following is an entry in ClinVar:

NM_007050.6(PTPRT):c.1642G>A (p.Glu548Lys)

Gene: PTPRT (protein tyrosine phosphatase receptor type T; minus strand). Cytogenetic location: 20q12.
Variant type: single nucleotide variant.
Coding change: c.1642G>A on transcript NM_007050.6 (MANE Select); coding-DNA position 1642, G replaced by A.
Protein change: p.Glu548Lys; replaces glutamic acid 548 with lysine.
Molecular consequence: missense variant.
Genome position (GRCh38, 1-based): chr20:42,352,204, C>T on the plus strand (G>A on the coding strand, the complement: PTPRT is on the minus strand). VCF-style: chr20-42352204-C-T. GRCh37 (hg19) VCF-style: chr20-40980844-C-T.
Other names: c.1642G>A, p.Glu548Lys (NM_001394024.1, NM_001394025.1, NM_001394026.1 and 1 more transcripts); short protein forms E548K.
Identifiers: ClinVar variation 4530412 (VCV004530412.1).
Genomic context (GRCh38, chr20:42,352,204, plus strand): 5'-CCTTGATGGTGAAGGAATAGGTGGTCCCTGGGTACAGACCCACAAAGAGGTGGTGGGTTT[C>T]ATTCCGGAGCTTGAACACTTTCCCCCTCTGGCTCGAGAGGTCAGCACTTGGGTCCAGCGA-3'
Protein context (NP_008981.4, residues 538-558): QRGKVFKLRN[Glu548Lys]THHLFVGLYP

ClinVar aggregate classification (somatic clinical impact): Tier II - Potential (1 of 4 stars; one submission).

Conditions:
Melanoma. Identifiers: MedGen C0025202, MeSH D008545, MONDO:0005105, HP:0002861.

Submission:

Institute for Genomic Medicine (IGM) Clinical Laboratory, Nationwide Children's Hospital
Classification: Tier II - Potential for Melanoma. Assertion type: diagnostic. Clinical significance: supports diagnosis. Last evaluated: 2025-03-13. Review status: criteria provided, single submitter. Criteria: AMP/ASCO/CAP Guidelines, 2017. Collection method: clinical testing. Allele origin: somatic. Affected: yes.
Comment: Variant has Tier II (potential) clinical significance as a diagnostic inclusion criterion in melanoma, based on the following evidence: 1) Documented in one or more cancer databases (e.g., St. Jude Pecan, COSMIC, CIViC, OncoKB). 2) Diagnostic significance based on multiple small studies (Evidence Level C; PMIDs: 25393105, 34862763).

Literature cited by the submitters: PubMed 25393105; PubMed 34862763.